The following is an entry in ClinVar:

ClinVar aggregate classification (germline): Uncertain significance. Review status: criteria provided, multiple submitters, no conflicts (2 of 4 stars). 2 submissions from 2 submitters: Uncertain significance (2). Last evaluated 2025-02-14.

Allele frequency attached by ClinVar (database versions not stated): gnomAD exomes below 0.00001.
gnomAD v4.1: 3 of 1,614,090 alleles (0.00019%); highest among the groups gnomAD compares: East Asian, 0.0045%; no homozygotes.

Submissions (2):

Ambry Genetics
Classification: Uncertain significance. Last evaluated: 2025-02-14. Review status: criteria provided, single submitter. Criteria: Ambry Variant Classification Scheme 2023. Collection method: clinical testing. Allele origin: germline.
Comment: The p.L736P variant (also known as c.2207T>C), located in coding exon 12 of the ATRIP gene, results from a T to C substitution at nucleotide position 2207. The leucine at codon 736 is replaced by proline, an amino acid with similar properties. This amino acid position is conserved. In addition, the in silico prediction for this alteration is inconclusive. Based on the available evidence, the clinical significance of this variant remains unclear.

Labcorp Genetics (formerly Invitae), Labcorp
Classification: Uncertain significance. Last evaluated: 2024-11-24. Review status: criteria provided, single submitter. Criteria: Invitae Variant Classification Sherloc (09022015). Collection method: clinical testing. Allele origin: germline.
Comment: This sequence change replaces leucine, which is neutral and non-polar, with proline, which is neutral and non-polar, at codon 736 of the ATRIP protein (p.Leu736Pro). This variant is present in population databases (no rsID available, gnomAD 0.01%). This variant has not been reported in the literature in individuals affected with ATRIP-related conditions. ClinVar contains an entry for this variant (Variation ID: 2063379). An algorithm developed to predict the effect of missense changes on protein structure and function (PolyPhen-2) suggests that this variant is likely to be disruptive. In summary, the available evidence is currently insufficient to determine the role of this variant in disease. Therefore, it has been classified as a Variant of Uncertain Significance.

NM_130384.3(ATRIP):c.2207T>C (p.Leu736Pro)

Genes: ATRIP (ATR interacting protein; plus strand), ATRIP-TREX1 (ATRIP-TREX1 readthrough; plus strand). Cytogenetic location: 3p21.31.
Variant type: single nucleotide variant.
Coding change: c.2207T>C on transcript NM_130384.3 (MANE Select); coding-DNA position 2207, T replaced by C.
Protein change: p.Leu736Pro; replaces leucine 736 with proline.
Molecular consequence: missense variant. On other transcripts: non-coding transcript variant (1).
Genome position (GRCh38, 1-based): chr3:48,464,982, T>C. VCF-style: chr3-48464982-T-C. GRCh37 (hg19) VCF-style: chr3-48506381-T-C.
Other names: c.1826T>C, p.Leu609Pro (NM_001271022.2); c.1928T>C, p.Leu643Pro (NM_001271023.2); c.2126T>C, p.Leu709Pro (NM_032166.4); c.2207T>C (NM_130384.1); short protein forms L709P, L643P, L736P, L609P.
Identifiers: ClinVar variation 2063379 (VCV002063379.6), dbSNP rs1169070270, ClinGen allele CA352614981.